The following is an entry in ClinVar:

ClinVar aggregate classification (germline): Benign/Likely benign. Review status: criteria provided, multiple submitters, no conflicts (2 of 4 stars). 4 submissions from 4 submitters: Benign (1); Likely benign (3). Last evaluated 2025-04-28.

Conditions:
Hereditary cancer-predisposing syndrome. Also called: Hereditary Cancer Syndrome; Hereditary neoplastic syndrome; Neoplastic Syndromes, Hereditary; Tumor predisposition. Identifiers: Orphanet 140162, MedGen C0027672, MeSH D009386, MONDO:0015356.
Hereditary nonpolyposis colorectal neoplasms. Identifiers: MedGen C0009405, MeSH D003123.
Lynch syndrome 5 (LYNCH5). Also called: Hereditary non-polyposis colorectal cancer, type 5; Colorectal cancer, hereditary nonpolyposis, type 5. Identifiers: Orphanet 144, MedGen C1833477, MONDO:0013710, OMIM 614350. Disease mechanism: loss of function.

Allele frequency attached by ClinVar (database versions not stated): gnomAD exomes below 0.00001.
gnomAD v4.1: 1 of 1,602,040 alleles (0.000062%); highest among the groups gnomAD compares: East Asian, 0.0022%; no homozygotes.

Submissions (4):

Color Diagnostics, LLC DBA Color Health
Classification: Likely benign for Hereditary cancer-predisposing syndrome. Last evaluated: 2025-04-28. Review status: criteria provided, single submitter. Criteria: ACMG Guidelines, 2015. Collection method: clinical testing. Allele origin: germline.

Labcorp Genetics (formerly Invitae), Labcorp
Classification: Likely benign for Hereditary nonpolyposis colorectal neoplasms. Last evaluated: 2025-01-17. Review status: criteria provided, single submitter. Criteria: Invitae Variant Classification Sherloc (09022015). Collection method: clinical testing. Allele origin: germline.

Myriad Genetics, Inc.
Classification: Benign for Lynch syndrome 5. Last evaluated: 2025-01-02. Review status: criteria provided, single submitter. Criteria: Myriad Autosomal Dominant, Autosomal Recessive and X-Linked Classification Criteria (2023). Collection method: clinical testing. Allele origin: unknown.
Comment: This variant is considered benign. This variant is a silent/synonymous amino acid change and it is not expected to impact splicing.

Ambry Genetics
Classification: Likely benign for Hereditary cancer-predisposing syndrome. Last evaluated: 2023-05-19. Review status: criteria provided, single submitter. Criteria: Ambry Variant Classification Scheme 2023. Collection method: clinical testing. Allele origin: germline.

NM_000179.3(MSH6):c.2913G>A (p.Gly971=)

Gene: MSH6 (mutS homolog 6; plus strand). Cytogenetic location: 2p16.3.
Variant type: single nucleotide variant.
Coding change: c.2913G>A on transcript NM_000179.3 (MANE Select); coding-DNA position 2913, G replaced by A.
Protein change: p.Gly971=; no amino-acid change (glycine 971 retained).
Molecular consequence: synonymous variant.
Genome position (GRCh38, 1-based): chr2:47,800,896, G>A. VCF-style: chr2-47800896-G-A. GRCh37 (hg19) VCF-style: chr2-48028035-G-A.
Other names: c.2523G>A, p.Gly841= (NM_001281492.2); c.2007G>A, p.Gly669= (NM_001281493.2, NM_001281494.2).
Identifiers: ClinVar variation 753153 (VCV000753153.14), dbSNP rs1572729232, ClinGen allele CA426122031.